The following is an entry in ClinVar:

ClinVar aggregate classification (germline): Likely benign. Review status: criteria provided, single submitter (1 of 4 stars). 2 submissions from 2 submitters: Likely benign (1). 1 of the submissions does not count toward it. Last evaluated 2019-12-31.

Conditions:
NRP2-related disorder. Also called: NRP2-related condition.

Allele frequency attached by ClinVar (database versions not stated): 1000 Genomes Project 30x 0.00016; 1000 Genomes Project 0.00020; TOPMed 0.00165; gnomAD exomes 0.00180 and 0.00291; gnomAD 0.00186 and 0.00195; ExAC 0.00189; ESP Exome Variant Server 0.00231.

Submissions (2):

Labcorp Genetics (formerly Invitae), Labcorp
Classification: Likely benign. Last evaluated: 2019-12-31. Review status: criteria provided, single submitter. Criteria: Invitae Variant Classification Sherloc (09022015). Collection method: clinical testing. Allele origin: germline.

PreventionGenetics, part of Exact Sciences
Classification: Likely benign for NRP2-related condition. Last evaluated: 2023-12-04. Review status: no assertion criteria provided. Collection method: clinical testing. Allele origin: germline. Not counted in ClinVar's aggregate classification.
Comment: This variant is classified as likely benign based on ACMG/AMP sequence variant interpretation guidelines (Richards et al. 2015 PMID: 25741868, with internal and published modifications).

NM_003872.3(NRP2):c.838C>T (p.Pro280Ser)

Gene: NRP2 (neuropilin 2; plus strand). Cytogenetic location: 2q33.3.
Variant type: single nucleotide variant.
Coding change: c.838C>T on transcript NM_003872.3 (MANE Select); coding-DNA position 838, C replaced by T.
Protein change: p.Pro280Ser; replaces proline 280 with serine.
Molecular consequence: missense variant.
Genome position (GRCh38, 1-based): chr2:205,725,930, C>T. VCF-style: chr2-205725930-C-T. GRCh37 (hg19) VCF-style: chr2-206590654-C-T.
Other names: c.838C>T, p.Pro280Ser (NM_018534.4, NM_201264.2, NM_201266.2 and 2 more transcripts); short protein forms P280S.
Identifiers: ClinVar variation 717718 (VCV000717718.6), dbSNP rs79750907, ClinGen allele CA2068940.